The following is an entry in ClinVar:

ClinVar aggregate classification (germline): Likely benign (1 of 4 stars; one submission).

gnomAD v4.1: 84 of 1,613,684 alleles (0.0052%); highest among the groups gnomAD compares: South Asian, 0.08%; no homozygotes.

Submission:

CeGaT Center for Human Genetics Tuebingen
Classification: Likely benign. Last evaluated: 2025-06-01. Review status: criteria provided, single submitter. Criteria: CeGaT Center For Human Genetics Tuebingen Variant Classification Criteria Version 2. Collection method: clinical testing. Allele origin: germline. Affected: yes. Observed: 1 variant allele.
Comment: GLB1L: BP4, BP7

NM_001286423.2(GLB1L):c.972G>A (p.Pro324=)

Gene: GLB1L (galactosidase beta 1 like; minus strand). Cytogenetic location: 2q35.
Variant type: single nucleotide variant.
Coding change: c.972G>A on transcript NM_001286423.2 (MANE Select); coding-DNA position 972, G replaced by A.
Protein change: p.Pro324=; no amino-acid change (proline 324 retained).
Molecular consequence: synonymous variant.
Genome position (GRCh38, 1-based): chr2:219,239,182, C>T on the plus strand (G>A on the coding strand, the complement: GLB1L is on the minus strand). VCF-style: chr2-219239182-C-T. GRCh37 (hg19) VCF-style: chr2-220103904-C-T.
Other names: c.702G>A, p.Pro234= (NM_001286427.1); c.972G>A, p.Pro324= (NM_024506.5).
Identifiers: ClinVar variation 3905298 (VCV003905298.10).